The following is an entry in ClinVar:

ClinVar aggregate classification (germline): Pathogenic (1 of 4 stars; one submission).

Conditions:
Gorlin syndrome. Also called: Basal cell nevus syndrome; Nevoid Basal Cell Carcinoma Syndrome. Identifiers: Orphanet 377, MedGen C0004779, MONDO:0007187.

Submission:

Labcorp Genetics (formerly Invitae), Labcorp
Classification: Pathogenic for Gorlin syndrome. Last evaluated: 2022-07-22. Review status: criteria provided, single submitter. Criteria: Invitae Variant Classification Sherloc (09022015). Collection method: clinical testing. Allele origin: germline.
Comment: For these reasons, this variant has been classified as Pathogenic. Studies have shown that disruption of this splice site results in skipping of exon 4 and introduces a premature termination codon (PMID: 24816767). The resulting mRNA is expected to undergo nonsense-mediated decay. Disruption of this splice site has been observed in individuals with basal cell nevus syndrome (BCNS) (PMID: 22952776, 24816767). This variant is not present in population databases (gnomAD no frequency). This sequence change affects an acceptor splice site in intron 3 of the PTCH1 gene. RNA analysis indicates that disruption of this splice site induces altered splicing and may result in an absent or disrupted protein product.

Literature cited by the submitters: PubMed 24816767; PubMed 22952776.

NM_000264.5(PTCH1):c.585-1G>A

Gene: PTCH1 (patched 1; minus strand). Cytogenetic location: 9q22.32.
Variant type: single nucleotide variant.
Coding change: c.585-1G>A on transcript NM_000264.5 (MANE Select); the canonical splice acceptor site of the intron before coding-DNA position 585, G replaced by A.
Molecular consequence: splice acceptor variant.
Genome position (GRCh38, 1-based): chr9:95,482,204, C>T on the plus strand (G>A on the coding strand, the complement: PTCH1 is on the minus strand). VCF-style: chr9-95482204-C-T. GRCh37 (hg19) VCF-style: chr9-98244486-C-T.
Other names: c.582-1G>A (NM_001083603.3); c.387-1G>A (NM_001083602.3, NM_001354919.2); c.585-1G>A (NM_001354918.2); c.132-1G>A (NM_001083605.3, NM_001083604.3, NM_001083606.3 and 1 more transcripts).
Identifiers: ClinVar variation 2136796 (VCV002136796.4), dbSNP rs1057520590, ClinGen allele CA374115172.
Genomic context (GRCh38, chr9:95,482,204, plus strand): 5'-TAACCTGTTTCTGTGATAAGCTCTCCTGATTTGTAACACAAATGTTCCAATTTCCACTGC[C>T]TAATAAAATGAAAAGCAGAGACAAAAATTTCTCACTGTAATAAGAAAATTAGTGCAAATT-3'